The following is an entry in ClinVar:

ClinVar aggregate classification (germline): Conflicting classifications of pathogenicity. Review status: criteria provided, conflicting classifications (1 of 4 stars). 5 submissions from 5 submitters: Uncertain significance (3); Likely benign (1). 1 of the submissions does not count toward it. Last evaluated 2025-11-03.

Conditions:
Cardiovascular phenotype. Identifiers: MedGen CN230736.
Alstrom syndrome (ALMS). Identifiers: Orphanet 64, MedGen C0268425, MONDO:0008763, OMIM 203800.

Allele frequency attached by ClinVar (database versions not stated): gnomAD exomes 0.00001 and 0.00003; ExAC 0.00005; TOPMed 0.00015; gnomAD 0.00019 and 0.00020; 1000 Genomes Project 0.00060; 1000 Genomes Project 30x 0.00062.
gnomAD v4.1: 52 of 1,613,382 alleles (0.0032%); highest among the groups gnomAD compares: African/African-American, 0.056%; no homozygotes.

Submissions (5):

GeneDx
Classification: Uncertain significance. Last evaluated: 2025-11-03. Review status: criteria provided, single submitter. Criteria: GeneDx Variant Classification Process June 2021. Collection method: clinical testing. Allele origin: germline. Affected: yes.
Comment: In silico analysis supports that this missense variant has a deleterious effect on protein structure/function; Has not been previously published as pathogenic or benign to our knowledge

Ambry Genetics
Classification: Likely benign for Cardiovascular phenotype. Last evaluated: 2024-12-19. Review status: criteria provided, single submitter. Criteria: Ambry Variant Classification Scheme 2023. Collection method: clinical testing. Allele origin: germline.

Labcorp Genetics (formerly Invitae), Labcorp
Classification: Uncertain significance for Alstrom syndrome. Last evaluated: 2022-11-01. Review status: criteria provided, single submitter. Criteria: Invitae Variant Classification Sherloc (09022015). Collection method: clinical testing. Allele origin: germline.
Comment: This sequence change replaces proline, which is neutral and non-polar, with serine, which is neutral and polar, at codon 1128 of the ALMS1 protein (p.Pro1128Ser). This variant is present in population databases (rs182127619, gnomAD 0.05%). This variant has not been reported in the literature in individuals affected with ALMS1-related conditions. ClinVar contains an entry for this variant (Variation ID: 392512). Algorithms developed to predict the effect of missense changes on protein structure and function output the following: SIFT: "Not Available"; PolyPhen-2: "Not Available"; Align-GVGD: "Not Available". The serine amino acid residue is found in multiple mammalian species, which suggests that this missense change does not adversely affect protein function. In summary, the available evidence is currently insufficient to determine the role of this variant in disease. Therefore, it has been classified as a Variant of Uncertain Significance.

Fulgent Genetics
Classification: Uncertain significance for Alstrom syndrome. Last evaluated: 2022-05-05. Review status: criteria provided, single submitter. Criteria: ACMG Guidelines, 2015. Collection method: clinical testing. Allele origin: unknown.

Natera, Inc.
Classification: Uncertain significance for Alstrom syndrome. Last evaluated: 2021-05-25. Review status: no assertion criteria provided. Collection method: clinical testing. Allele origin: germline. Not counted in ClinVar's aggregate classification.

NM_001378454.1(ALMS1):c.3379C>T (p.Pro1127Ser)

Gene: ALMS1 (ALMS1 centrosome and basal body associated protein; plus strand). Cytogenetic location: 2p13.1.
Variant type: single nucleotide variant.
Coding change: c.3379C>T on transcript NM_001378454.1 (MANE Select); coding-DNA position 3379, C replaced by T.
Protein change: p.Pro1127Ser; replaces proline 1127 with serine.
Molecular consequence: missense variant.
Genome position (GRCh38, 1-based): chr2:73,449,906, C>T. VCF-style: chr2-73449906-C-T. GRCh37 (hg19) VCF-style: chr2-73677033-C-T.
Other names: c.3382C>T, p.Pro1128Ser (NM_015120.4); short protein forms P1128S, P1127S.
Identifiers: ClinVar variation 392512 (VCV000392512.18), dbSNP rs182127619, ClinGen allele CA1713515.